The following is an entry in ClinVar:

ClinVar aggregate classification (germline): Uncertain significance. Review status: criteria provided, multiple submitters, no conflicts (2 of 4 stars). 3 submissions from 3 submitters: Uncertain significance (3). Last evaluated 2023-04-11.

Conditions:
Geroderma osteodysplastica (GO). Also called: WALT DISNEY DWARFISM; Geroderma osteodysplasticum. Identifiers: Orphanet 2078, MedGen C0432255, MONDO:0009271, OMIM 231070.

Allele frequency attached by ClinVar (database versions not stated): gnomAD below 0.00001 and 0.00004; TOPMed 0.00002; ExAC 0.00016; gnomAD exomes 0.00018; 1000 Genomes Project 30x 0.00078; 1000 Genomes Project 0.00080.
gnomAD v4.1: 128 of 1,613,922 alleles (0.0079%); highest among the groups gnomAD compares: South Asian, 0.12%; 1 homozygote.

Submissions (3):

Genome-Nilou Lab
Classification: Uncertain significance for Geroderma osteodysplastica. Last evaluated: 2023-04-11. Review status: criteria provided, single submitter. Criteria: ACMG Guidelines, 2015. Collection method: clinical testing. Allele origin: germline. Affected: no.

Labcorp Genetics (formerly Invitae), Labcorp
Classification: Uncertain significance. Last evaluated: 2021-09-01. Review status: criteria provided, single submitter. Criteria: Invitae Variant Classification Sherloc (09022015). Collection method: clinical testing. Allele origin: germline.
Comment: This sequence change replaces arginine with glutamine at codon 212 of the GORAB protein (p.Arg212Gln). The arginine residue is highly conserved and there is a small physicochemical difference between arginine and glutamine. This variant is present in population databases (rs190557815, ExAC 0.1%). This variant has not been reported in the literature in individuals affected with GORAB-related conditions. ClinVar contains an entry for this variant (Variation ID: 293657). Algorithms developed to predict the effect of missense changes on protein structure and function are either unavailable or do not agree on the potential impact of this missense change (SIFT: "Deleterious"; PolyPhen-2: "Possibly Damaging"; Align-GVGD: "Class C0"). In summary, the available evidence is currently insufficient to determine the role of this variant in disease. Therefore, it has been classified as a Variant of Uncertain Significance.

Illumina Laboratory Services, Illumina
Classification: Uncertain significance for Geroderma osteodysplastica. Last evaluated: 2018-01-13. Review status: criteria provided, single submitter. Criteria: ICSL Variant Classification Criteria 13 December 2019. Collection method: clinical testing. Allele origin: germline.

NM_152281.3(GORAB):c.560G>A (p.Arg187Gln)

Gene: GORAB (golgin, RAB6 interacting; plus strand). Cytogenetic location: 1q24.2.
Variant type: single nucleotide variant.
Coding change: c.560G>A on transcript NM_152281.3 (MANE Select); coding-DNA position 560, G replaced by A.
Protein change: p.Arg187Gln; replaces arginine 187 with glutamine.
Molecular consequence: missense variant. On other transcripts: non-coding transcript variant (1).
Genome position (GRCh38, 1-based): chr1:170,544,743, G>A. VCF-style: chr1-170544743-G-A. GRCh37 (hg19) VCF-style: chr1-170513884-G-A.
Other names: c.560G>A, p.Arg187Gln (NM_001146039.2); c.95G>A, p.Arg32Gln (NM_001320252.2); short protein forms R212Q, R32Q, R187Q.
Identifiers: ClinVar variation 293657 (VCV000293657.10), dbSNP rs190557815, ClinGen allele CA1239175.